The following is an entry in ClinVar:

NM_000541.5(SAG):c.468C>T (p.Phe156=)

Gene: SAG (S-antigen visual arrestin; plus strand). Cytogenetic location: 2q37.1.
Variant type: single nucleotide variant.
Coding change: c.468C>T on transcript NM_000541.5 (MANE Select); coding-DNA position 468, C replaced by T.
Protein change: p.Phe156=; no amino-acid change (phenylalanine 156 retained).
Molecular consequence: synonymous variant.
Genome position (GRCh38, 1-based): chr2:233,327,153, C>T. VCF-style: chr2-233327153-C-T. GRCh37 (hg19) VCF-style: chr2-234235799-C-T.
Identifiers: ClinVar variation 167636 (VCV000167636.23), dbSNP rs375593027, ClinGen allele CA234839.

ClinVar aggregate classification (germline): Conflicting classifications of pathogenicity. Review status: criteria provided, conflicting classifications (1 of 4 stars). 6 submissions from 5 submitters: Uncertain significance (3); Likely benign (2). 1 of the submissions does not count toward it. Last evaluated 2025-12-02.

Conditions:
Retinitis pigmentosa (RP). Identifiers: Orphanet 791, MedGen C0035334, MeSH D012174, MONDO:0019200, OMIM 268000. Inheritance: Autosomal dominant, autosomal recessive and X linked inheritance.
Oguchi disease. Also called: Oguchi's disease. Identifiers: Orphanet 75382, MedGen C1306122, MONDO:0019152.
SAG-related disorder. Also called: SAG-related disorders; SAG-related condition.

Allele frequency attached by ClinVar (database versions not stated): gnomAD 0.00006; TOPMed 0.00015; ESP Exome Variant Server 0.00040.
gnomAD v4.1: 295 of 1,613,696 alleles (0.018%); highest among the groups gnomAD compares: Non-Finnish European, 0.024%; no homozygotes.

Submissions (6):

Labcorp Genetics (formerly Invitae), Labcorp
Classification: Likely benign. Last evaluated: 2025-12-02. Review status: criteria provided, single submitter. Criteria: Invitae Variant Classification Sherloc (09022015). Collection method: clinical testing. Allele origin: germline.

Blueprint Genetics
Classification: Likely benign. Last evaluated: 2024-01-11. Review status: criteria provided, single submitter. Criteria: ACMG Guidelines, 2015. Collection method: clinical testing. Allele origin: germline.

Illumina Laboratory Services, Illumina
Classification: Uncertain significance for Oguchi disease-1. Last evaluated: 2018-01-12. Review status: criteria provided, single submitter. Criteria: ICSL Variant Classification Criteria 13 December 2019. Collection method: clinical testing. Allele origin: germline.

Illumina Laboratory Services, Illumina
Classification: Uncertain significance for Retinitis pigmentosa. Last evaluated: 2018-01-12. Review status: criteria provided, single submitter. Criteria: ICSL Variant Classification Criteria 13 December 2019. Collection method: clinical testing. Allele origin: germline.

Eurofins Ntd Llc (ga)
Classification: Uncertain significance. Last evaluated: 2014-01-30. Review status: criteria provided, single submitter. Criteria: EGL Classification Definitions 2015. Collection method: clinical testing. Allele origin: germline. Observed: 2 variant alleles, 2 heterozygotes.

PreventionGenetics, part of Exact Sciences
Classification: Likely benign for SAG-related condition. Last evaluated: 2020-01-15. Review status: no assertion criteria provided. Collection method: clinical testing. Allele origin: germline. Not counted in ClinVar's aggregate classification.
Comment: This variant is classified as likely benign based on ACMG/AMP sequence variant interpretation guidelines (Richards et al. 2015 PMID: 25741868, with internal and published modifications).